The following is an entry in ClinVar:

ClinVar aggregate classification (germline): Uncertain significance. Review status: criteria provided, multiple submitters, no conflicts (2 of 4 stars). 2 submissions from 2 submitters: Uncertain significance (2). Last evaluated 2025-04-22.

Conditions:
TRIM32-related disorder. Also called: TRIM32-related condition.

gnomAD v4.1: 13 of 1,614,184 alleles (0.00081%); highest among the groups gnomAD compares: South Asian, 0.0044%; no homozygotes.

Submissions (2):

PreventionGenetics, part of Exact Sciences
Classification: Uncertain significance for TRIM32-related condition. Last evaluated: 2025-04-22. Review status: criteria provided, single submitter. Criteria: ACMG Guidelines, 2015. Collection method: clinical testing. Allele origin: germline.
Comment: The TRIM32 c.205C>T variant is predicted to result in the amino acid substitution p.Arg69Cys. To our knowledge, this variant has not been reported in the literature or in a large population database (gnomAD), indicating it is rare. At this time, the clinical significance of this variant is uncertain due to the absence of conclusive functional and genetic evidence.

Revvity Omics, Revvity
Classification: Uncertain significance. Last evaluated: 2023-10-27. Review status: criteria provided, single submitter. Criteria: ACMG Guidelines, 2015. Collection method: clinical testing. Allele origin: germline.

NM_012210.4(TRIM32):c.205C>T (p.Arg69Cys)

Genes: ASTN2 (astrotactin 2; minus strand), TRIM32 (tripartite motif containing 32; plus strand). Cytogenetic location: 9q33.1.
Variant type: single nucleotide variant.
Coding change: c.205C>T on transcript NM_012210.4 (MANE Select); coding-DNA position 205, C replaced by T.
Protein change: p.Arg69Cys; replaces arginine 69 with cysteine.
Molecular consequence: missense variant. On other transcripts: intron variant (3).
Genome position (GRCh38, 1-based): chr9:116,697,947, C>T. VCF-style: chr9-116697947-C-T. GRCh37 (hg19) VCF-style: chr9-119460226-C-T.
Other names: c.205C>T, p.Arg69Cys (NM_001099679.2, NM_001379048.1, NM_001379049.1 and 1 more transcripts); c.2653+27824G>A (NM_014010.5); c.2794+27824G>A (NM_001365069.1); c.2806+27824G>A (NM_001365068.1); short protein forms R69C.
Identifiers: ClinVar variation 4080589 (VCV004080589.2).